The following is an entry in ClinVar:

ClinVar aggregate classification (germline): Uncertain significance (1 of 4 stars; one submission).

Allele frequency attached by ClinVar (database versions not stated): gnomAD 0.00001.
gnomAD v4.1: 5 of 1,614,030 alleles (0.00031%); highest among the groups gnomAD compares: Non-Finnish European, 0.00025%; no homozygotes.

Submission:

Labcorp Genetics (formerly Invitae), Labcorp
Classification: Uncertain significance. Last evaluated: 2019-10-25. Review status: criteria provided, single submitter. Criteria: Invitae Variant Classification Sherloc (09022015). Collection method: clinical testing. Allele origin: germline.
Comment: This variant has not been reported in the literature in individuals with MTOR-related conditions. In summary, the available evidence is currently insufficient to determine the role of this variant in disease. Therefore, it has been classified as a Variant of Uncertain Significance. Algorithms developed to predict the effect of missense changes on protein structure and function are either unavailable or do not agree on the potential impact of this missense change (SIFT: "Deleterious"; PolyPhen-2: "Benign"; Align-GVGD: "Class C0"). This variant is not present in population databases (ExAC no frequency). This sequence change replaces leucine with valine at codon 1222 of the MTOR protein (p.Leu1222Val). The leucine residue is highly conserved and there is a small physicochemical difference between leucine and valine.

NM_004958.4(MTOR):c.3664C>G (p.Leu1222Val)

Gene: MTOR (mechanistic target of rapamycin kinase; minus strand). Cytogenetic location: 1p36.22.
Variant type: single nucleotide variant.
Coding change: c.3664C>G on transcript NM_004958.4 (MANE Select); coding-DNA position 3664, C replaced by G.
Protein change: p.Leu1222Val; replaces leucine 1222 with valine.
Molecular consequence: missense variant.
Genome position (GRCh38, 1-based): chr1:11,209,449, G>C on the plus strand (C>G on the coding strand, the complement: MTOR is on the minus strand). VCF-style: chr1-11209449-G-C. GRCh37 (hg19) VCF-style: chr1-11269506-G-C.
Other names: short protein forms L1222V.
Identifiers: ClinVar variation 953166 (VCV000953166.9), dbSNP rs558998135, ClinGen allele CA338371037.